The following is an entry in ClinVar:

ClinVar aggregate classification (germline): Uncertain significance. Review status: criteria provided, multiple submitters, no conflicts (2 of 4 stars). 2 submissions from 2 submitters: Uncertain significance (2). Last evaluated 2025-12-20.

Conditions:
VCAN-related disorder. Also called: VCAN-related condition.

Allele frequency attached by ClinVar (database versions not stated): gnomAD exomes 0.00001; gnomAD 0.00002; TOPMed 0.00002.
gnomAD v4.1: 11 of 1,603,708 alleles (0.00069%); highest among the groups gnomAD compares: Admixed American, 0.0051%; no homozygotes.

Submissions (2):

Labcorp Genetics (formerly Invitae), Labcorp
Classification: Uncertain significance. Last evaluated: 2025-12-20. Review status: criteria provided, single submitter. Criteria: Invitae Variant Classification Sherloc (09022015). Collection method: clinical testing. Allele origin: germline.
Comment: This sequence change replaces isoleucine, which is neutral and non-polar, with valine, which is neutral and non-polar, at codon 1343 of the VCAN protein (p.Ile1343Val). This variant is present in population databases (no rsID available, gnomAD 0.006%). This variant has not been reported in the literature in individuals affected with VCAN-related conditions. ClinVar contains an entry for this variant (Variation ID: 1390148). An algorithm developed to predict the effect of missense changes on protein structure and function (PolyPhen-2) suggests that this variant is likely to be tolerated. In summary, the available evidence is currently insufficient to determine the role of this variant in disease. Therefore, it has been classified as a Variant of Uncertain Significance.

PreventionGenetics, part of Exact Sciences
Classification: Uncertain significance for VCAN-related condition. Last evaluated: 2025-05-12. Review status: criteria provided, single submitter. Criteria: ACMG Guidelines, 2015. Collection method: clinical testing. Allele origin: germline.
Comment: The VCAN c.4027A>G variant is predicted to result in the amino acid substitution p.Ile1343Val. To our knowledge, this variant has not been reported in the literature. This variant is reported in 0.0061% of alleles in individuals of Latino descent in gnomAD. At this time, the clinical significance of this variant is uncertain due to the absence of conclusive functional and genetic evidence.

NM_004385.5(VCAN):c.4027A>G (p.Ile1343Val)

Genes: VCAN (versican; plus strand), VCAN-AS1 (VCAN antisense RNA 1; minus strand). Cytogenetic location: 5q14.3.
Variant type: single nucleotide variant.
Coding change: c.4027A>G on transcript NM_004385.5 (MANE Select); coding-DNA position 4027, A replaced by G.
Protein change: p.Ile1343Val; replaces isoleucine 1343 with valine.
Molecular consequence: missense variant. On other transcripts: intron variant (2).
Genome position (GRCh38, 1-based): chr5:83,537,030, A>G. VCF-style: chr5-83537030-A-G. GRCh37 (hg19) VCF-style: chr5-82832849-A-G.
Other names: c.1066A>G, p.Ile356Val (NM_001164097.2); c.4004-8507A>G (NM_001164098.2); c.1043-8507A>G (NM_001126336.3); c.4027A>G (NM_004385.4); short protein forms I356V, I1343V.
Identifiers: ClinVar variation 1390148 (VCV001390148.7), dbSNP rs1240039767, ClinGen allele CA360307341.